The following is an entry in ClinVar:

ClinVar aggregate classification (germline): Uncertain significance (1 of 4 stars; one submission).

Submission:

Labcorp Genetics (formerly Invitae), Labcorp
Classification: Uncertain significance. Last evaluated: 2022-07-26. Review status: criteria provided, single submitter. Criteria: Invitae Variant Classification Sherloc (09022015). Collection method: clinical testing. Allele origin: germline.
Comment: This sequence change replaces glutamic acid, which is acidic and polar, with alanine, which is neutral and non-polar, at codon 57 of the KCNV2 protein (p.Glu57Ala). This variant is not present in population databases (gnomAD no frequency). This variant has not been reported in the literature in individuals affected with KCNV2-related conditions. ClinVar contains an entry for this variant (Variation ID: 961903). Advanced modeling of protein sequence and biophysical properties (such as structural, functional, and spatial information, amino acid conservation, physicochemical variation, residue mobility, and thermodynamic stability) performed at Invitae indicates that this missense variant is not expected to disrupt KCNV2 protein function. In summary, the available evidence is currently insufficient to determine the role of this variant in disease. Therefore, it has been classified as a Variant of Uncertain Significance.

NM_133497.4(KCNV2):c.170A>C (p.Glu57Ala)

Gene: KCNV2 (potassium voltage-gated channel modifier subfamily V member 2; plus strand). Cytogenetic location: 9p24.2.
Variant type: single nucleotide variant.
Coding change: c.170A>C on transcript NM_133497.4 (MANE Select); coding-DNA position 170, A replaced by C.
Protein change: p.Glu57Ala; replaces glutamic acid 57 with alanine.
Molecular consequence: missense variant.
Genome position (GRCh38, 1-based): chr9:2,717,909, A>C. VCF-style: chr9-2717909-A-C. GRCh37 (hg19) VCF-style: chr9-2717909-A-C.
Other names: short protein forms E57A.
Identifiers: ClinVar variation 961903 (VCV000961903.10), dbSNP rs1819764161, ClinGen allele CA372795848.